The following is an entry in ClinVar:

ClinVar aggregate classification (germline): Conflicting classifications of pathogenicity. Review status: criteria provided, conflicting classifications (1 of 4 stars). 13 submissions from 13 submitters: Uncertain significance (3); Benign (2); Likely benign (7). 1 of the submissions does not count toward it. Last evaluated 2026-02-03.

Conditions:
MYBPC3-related disorder. Also called: MYBPC3-related disorders; MYBPC3-related condition; MYBPC3-related disease.
Cardiovascular phenotype. Identifiers: MedGen CN230736.
Cardiomyopathy (CMYO). Also called: Cardiomyopathies. Identifiers: Orphanet 167848, MedGen C0878544, MONDO:0004994, HP:0001638. Inheritance: Various modes of inheritance.
Primary familial hypertrophic cardiomyopathy (HCM). Identifiers: Orphanet 99739, MedGen C0949658, MeSH D024741, MONDO:0024573. Inheritance: Various modes of inheritance.
Hypertrophic cardiomyopathy 4. Also called: Familial hypertrophic cardiomyopathy 4. Identifiers: MedGen C1861862, MONDO:0007268, OMIM 115197.
Hypertrophic cardiomyopathy. Also called: HYPERTROPHIC MYOCARDIOPATHY. Identifiers: Orphanet 217569, MedGen C0007194, MeSH D002312, MONDO:0005045, HP:0001639.

Allele frequency attached by ClinVar (database versions not stated): gnomAD exomes 0.00006 and 0.00014; ExAC 0.00021; gnomAD 0.00033 and 0.00036; ESP Exome Variant Server 0.00039; 1000 Genomes Project 0.00040; TOPMed 0.00042; 1000 Genomes Project 30x 0.00047.
gnomAD v4.1: 140 of 1,611,814 alleles (0.0087%); highest among the groups gnomAD compares: African/African-American, 0.13%; no homozygotes.

Submissions (13):

Labcorp Genetics (formerly Invitae), Labcorp
Classification: Likely benign for Hypertrophic cardiomyopathy. Last evaluated: 2026-02-03. Review status: criteria provided, single submitter. Criteria: Invitae Variant Classification Sherloc (09022015). Collection method: clinical testing. Allele origin: germline.

PreventionGenetics, part of Exact Sciences
Classification: Likely benign for MYBPC3-related condition. Last evaluated: 2025-07-08. Review status: criteria provided, single submitter. Criteria: ACMG Guidelines, 2015. Collection method: clinical testing. Allele origin: germline.
Comment: This variant is classified as likely benign based on ACMG/AMP sequence variant interpretation guidelines (Richards et al. 2015 PMID: 25741868, with internal and published modifications).

GeneDx
Classification: Uncertain significance. Last evaluated: 2025-04-21. Review status: criteria provided, single submitter. Criteria: GeneDx Variant Classification Process June 2021. Collection method: clinical testing. Allele origin: germline. Affected: yes.
Comment: In silico analysis supports that this missense variant has a deleterious effect on protein structure/function; This variant is associated with the following publications: (PMID: 25637381, 21750094, 24055113, 22958901, 23299917, 34621001, 21511876, 37652022)

Molecular Diagnostic Laboratory for Inherited Cardiovascular Disease, Montreal Heart Institute
Classification: Uncertain significance for Cardiovascular phenotype. Last evaluated: 2025-04-09. Review status: criteria provided, single submitter. Criteria: ACMG Guidelines, 2015. Collection method: clinical testing. Allele origin: germline. Affected: yes.

All of Us Research Program, National Institutes of Health
Classification: Likely benign for Hypertrophic cardiomyopathy. Last evaluated: 2024-09-27. Review status: criteria provided, single submitter. Criteria: ACMG Guidelines, 2015. Collection method: clinical testing. Allele origin: germline. Inheritance: Autosomal dominant inheritance. Observed: 42 variant alleles, 42 heterozygotes.
Comment: This study involves interpretation of variants in research participants for the purpose of population health screening. Participant phenotype was not available at the time of variant classification. Additional details can be found in publication PMID: 35346344, PMCID: PMC8962531

Blueprint Genetics
Classification: Likely benign. Last evaluated: 2024-08-20. Review status: criteria provided, single submitter. Criteria: ACMG Guidelines, 2015. Collection method: clinical testing. Allele origin: germline.

Mendelics
Classification: Benign for Hypertrophic cardiomyopathy 4. Last evaluated: 2023-08-22. Review status: criteria provided, single submitter. Criteria: Mendelics Assertion Criteria 2019. Collection method: clinical testing. Allele origin: germline.

CHEO Genetics Diagnostic Laboratory, Children's Hospital of Eastern Ontario
Classification: Benign for Cardiomyopathy. Last evaluated: 2023-01-03. Review status: criteria provided, single submitter. Criteria: ACMG Guidelines, 2015. Collection method: clinical testing. Allele origin: germline.

Women's Health and Genetics/Laboratory Corporation of America, LabCorp
Classification: Likely benign. Last evaluated: 2021-04-26. Review status: criteria provided, single submitter. Criteria: LabCorp Variant Classification Summary - May 2015. Collection method: clinical testing. Allele origin: germline.
Comment: Variant summary: MYBPC3 c.1286C>T (p.Ala429Val) results in a non-conservative amino acid change located in the Immunoglobulin-like domain of the encoded protein sequence. Three of four in-silico tools predict a damaging effect of the variant on protein function. The variant allele was found at a frequency of 0.00014 in 244698 control chromosomes, predominantly at a frequency of 0.0015 within the African or African-American subpopulation in the gnomAD database. The observed variant frequency within African or African-American control individuals in the gnomAD database is approximately 1.5 fold of the estimated maximal expected allele frequency for a pathogenic variant in MYBPC3 causing Hypertrophic Cardiomyopathy phenotype (0.001), suggesting that the variant is a benign polymorphism found primarily in populations of African or African-American origin. c.1286C>T has been reported in the literature in individuals affected with Hypertrophic Cardiomyopathy (Waldmuller_2011, Gruner_2011, Bick_2012, Leong_2017). These reports do not provide unequivocal conclusions about association of the variant with Hypertrophic Cardiomyopathy. To our knowledge, no experimental evidence demonstrating an impact on protein function has been reported. Six clinical diagnostic laboratories have submitted clinical-significance assessments for this variant to ClinVar after 2014 without evidence for independent evaluation. Multiple laboratories reported the variant with conflicting assessments (VUS n=3, likely benign n=3). Based on the evidence outlined above, the variant was classified as likely benign.

Ambry Genetics
Classification: Likely benign for Cardiovascular phenotype. Last evaluated: 2020-07-20. Review status: criteria provided, single submitter. Criteria: Ambry Variant Classification Scheme 2023. Collection method: clinical testing. Allele origin: germline.

Color Diagnostics, LLC DBA Color Health
Classification: Likely benign for Cardiomyopathy. Last evaluated: 2018-10-10. Review status: criteria provided, single submitter. Criteria: ACMG Guidelines, 2015. Collection method: clinical testing. Allele origin: germline.

Laboratory for Molecular Medicine, Mass General Brigham Personalized Medicine
Classification: Uncertain significance. Last evaluated: 2016-08-19. Review status: criteria provided, single submitter. Criteria: LMM Criteria. Collection method: clinical testing. Allele origin: germline. Observed: 3 variant alleles.
Comment: Variant classified as Uncertain Significance - Favor Benign. The p.Ala429Val var iant in MYBPC3 has been identified in at least 4 individuals with HCM (Gruner 20 11, Waldmuller 2011, LMM data). This variant has also been identified in 0.2% (1 5/8188) of African American chromosomes by the Exome Aggregation Consortium (ExA C; dbSNP rs370412052). Computational prediction tools and conservation analysis do not provide strong support for or against an impact to the protein. In summary, while the clinical significance of the p.Ala4 29Val variant is uncertain, its frequency suggests that it is more likely to be benign.

CSER _CC_NCGL, University of Washington
Classification: Uncertain significance for Cardiomyopathy, hypertrophic. Last evaluated: 2014-06-01. Review status: no assertion criteria provided. Collection method: research. Allele origin: germline. Inheritance: Autosomal dominant inheritance. Study: ESP 6500 variant annotation. Not counted in ClinVar's aggregate classification.
Comment: Variants classified for the Actionable exomic incidental findings in 6503 participants: challenges of variant classification manuscript

Literature cited by the submitters: PubMed 21511876 (cited by 3 submitters); PubMed 22958901 (cited by Women's Health and Genetics/Laboratory Corporation of America, LabCorp); PubMed 21750094 (cited by 3 submitters); PubMed 29099038 (cited by Women's Health and Genetics/Laboratory Corporation of America, LabCorp); PubMed 25637381 (cited by Laboratory for Molecular Medicine, Mass General Brigham Personalized Medicine); PubMed 23299917 (cited by Laboratory for Molecular Medicine, Mass General Brigham Personalized Medicine).

NM_000256.3(MYBPC3):c.1286C>T (p.Ala429Val)

Gene: MYBPC3 (myosin binding protein C3; minus strand). Cytogenetic location: 11p11.2.
Variant type: single nucleotide variant.
Coding change: c.1286C>T on transcript NM_000256.3 (MANE Select); coding-DNA position 1286, C replaced by T.
Protein change: p.Ala429Val; replaces alanine 429 with valine.
Molecular consequence: missense variant.
Genome position (GRCh38, 1-based): chr11:47,343,086, G>A on the plus strand (C>T on the coding strand, the complement: MYBPC3 is on the minus strand). VCF-style: chr11-47343086-G-A. GRCh37 (hg19) VCF-style: chr11-47364637-G-A.
Other names: p.A429V:GCG>GTG; short protein forms A429V.
Identifiers: ClinVar variation 42518 (VCV000042518.38), dbSNP rs370412052, ClinGen allele CA010019.
Genomic context (GRCh38, chr11:47,343,086, plus strand): 5'-ACAAAGAGCTCCGTGCTACACTTCTCGCCACCCACCACGCACTGGTAGGCTGCGTCGTCC[G>A]CCAATGAGCACTGGCTGATGGTCAGGGTACGCTTGGCACCGATGGACTCAAAGATGTACC-3'
Protein context (NP_000247.2, residues 419-439): RTLTISQCSL[Ala429Val]DDAAYQCVVG